The following is an entry in ClinVar:

NM_181078.3(IL21R):c.117G>A (p.Met39Ile)

Gene: IL21R (interleukin 21 receptor; plus strand). Cytogenetic location: 16p12.1.
Variant type: single nucleotide variant.
Coding change: c.117G>A on transcript NM_181078.3 (MANE Select); coding-DNA position 117, G replaced by A.
Protein change: p.Met39Ile; replaces methionine 39 with isoleucine.
Molecular consequence: missense variant.
Genome position (GRCh38, 1-based): chr16:27,434,414, G>A. VCF-style: chr16-27434414-G-A. GRCh37 (hg19) VCF-style: chr16-27445735-G-A.
Other names: c.117G>A, p.Met39Ile (NM_021798.4); c.183G>A, p.Met61Ile (NM_181079.5); short protein forms M61I, M39I.
Identifiers: ClinVar variation 1374627 (VCV001374627.8), dbSNP rs756330286, ClinGen allele CA7974871.
Genomic context (GRCh38, chr16:27,434,414, plus strand): 5'-CTGCCCCGACCTCGTCTGCTACACCGATTACCTCCAGACGGTCATCTGCATCCTGGAAAT[G>A]TGGAACCTCCACCCCAGCACGCTCACCCTTACCTGGTAAGTAGCCGGGCCTCACCAGTCC-3'
Protein context (NP_851564.1, residues 29-49): YLQTVICILE[Met39Ile]WNLHPSTLTL

ClinVar aggregate classification (germline): Uncertain significance (1 of 4 stars; one submission).

Conditions:
Cryptosporidiosis-chronic cholangitis-liver disease syndrome. Also called: IL21R immunodeficiency; Immunodeficiency type 56. Identifiers: Orphanet 357329, MedGen C3554687, MONDO:0014082, OMIM 615207.

Allele frequency attached by ClinVar (database versions not stated): gnomAD exomes below 0.00001 and 0.00001; ExAC 0.00002.

Submission:

Labcorp Genetics (formerly Invitae), Labcorp
Classification: Uncertain significance for Cryptosporidiosis-chronic cholangitis-liver disease syndrome. Last evaluated: 2022-11-23. Review status: criteria provided, single submitter. Criteria: Invitae Variant Classification Sherloc (09022015). Collection method: clinical testing. Allele origin: germline.
Comment: In summary, the available evidence is currently insufficient to determine the role of this variant in disease. Therefore, it has been classified as a Variant of Uncertain Significance. Advanced modeling of protein sequence and biophysical properties (such as structural, functional, and spatial information, amino acid conservation, physicochemical variation, residue mobility, and thermodynamic stability) performed at Invitae indicates that this missense variant is not expected to disrupt IL21R protein function. ClinVar contains an entry for this variant (Variation ID: 1374627). This variant has not been reported in the literature in individuals affected with IL21R-related conditions. This variant is present in population databases (rs756330286, gnomAD 0.01%). This sequence change replaces methionine, which is neutral and non-polar, with isoleucine, which is neutral and non-polar, at codon 39 of the IL21R protein (p.Met39Ile).